The following is an entry in ClinVar:

NM_001035.3(RYR2):c.7424T>C (p.Val2475Ala)

Gene: RYR2 (ryanodine receptor 2; plus strand). Cytogenetic location: 1q43.
Variant type: single nucleotide variant.
Coding change: c.7424T>C on transcript NM_001035.3 (MANE Select); coding-DNA position 7424, T replaced by C.
Protein change: p.Val2475Ala; replaces valine 2475 with alanine.
Molecular consequence: missense variant.
Genome position (GRCh38, 1-based): chr1:237,648,525, T>C. VCF-style: chr1-237648525-T-C. GRCh37 (hg19) VCF-style: chr1-237811825-T-C.
Other names: short protein forms V2475A.
Identifiers: ClinVar variation 861770 (VCV000861770.11), dbSNP rs1682400034, ClinGen allele CA345398321.
Genomic context (GRCh38, chr1:237,648,525, plus strand): 5'-ACATGTCTGCGGGGTTTTGCCCAGATCACAAGGCAGCCATGGTTTTATTCCTTGACAGGG[T>C]CTATGGGATTGAGGTTCAAGACTTCCTCCTCCATCTTCTTGAGGTTGGCTTTCTGCCAGA-3'
Protein context (NP_001026.2, residues 2465-2485): KAAMVLFLDR[Val2475Ala]YGIEVQDFLL

ClinVar aggregate classification (germline): Likely pathogenic (1 of 4 stars; one submission).

Conditions:
Catecholaminergic polymorphic ventricular tachycardia 1. Also called: VENTRICULAR TACHYCARDIA, CATECHOLAMINERGIC POLYMORPHIC, 1, WITH OR WITHOUT ATRIAL DYSFUNCTION AND/OR DILATED CARDIOMYOPATHY; VENTRICULAR TACHYCARDIA, STRESS-INDUCED POLYMORPHIC 1; RYR2-Related Catecholaminergic Polymorphic Ventricular Tachycardia. Identifiers: Orphanet 3286, MedGen C1631597, MONDO:0011484, OMIM 604772.

Submission:

Labcorp Genetics (formerly Invitae), Labcorp
Classification: Likely pathogenic for Catecholaminergic polymorphic ventricular tachycardia 1. Last evaluated: 2022-09-13. Review status: criteria provided, single submitter. Criteria: Invitae Variant Classification Sherloc (09022015). Collection method: clinical testing. Allele origin: germline.
Comment: Advanced modeling of protein sequence and biophysical properties (such as structural, functional, and spatial information, amino acid conservation, physicochemical variation, residue mobility, and thermodynamic stability) performed at Invitae indicates that this missense variant is expected to disrupt RYR2 protein function. ClinVar contains an entry for this variant (Variation ID: 861770). This variant has not been reported in the literature in individuals affected with RYR2-related conditions. This variant is not present in population databases (gnomAD no frequency). This sequence change replaces valine, which is neutral and non-polar, with alanine, which is neutral and non-polar, at codon 2475 of the RYR2 protein (p.Val2475Ala). This variant disrupts the p.Val2475 amino acid residue in RYR2. Other variant(s) that disrupt this residue have been determined to be pathogenic (PMID: 15887426). This suggests that this residue is clinically significant, and that variants that disrupt this residue are likely to be disease-causing. In summary, the currently available evidence indicates that the variant is pathogenic, but additional data are needed to prove that conclusively. Therefore, this variant has been classified as Likely Pathogenic.

Literature cited by the submitters: PubMed 15887426.